The following is an entry in ClinVar:

NM_014874.4(MFN2):c.1975A>G (p.Arg659Gly)

Gene: MFN2 (mitofusin 2; plus strand). Cytogenetic location: 1p36.22.
Variant type: single nucleotide variant.
Coding change: c.1975A>G on transcript NM_014874.4 (MANE Select); coding-DNA position 1975, A replaced by G.
Protein change: p.Arg659Gly; replaces arginine 659 with glycine.
Molecular consequence: missense variant.
Genome position (GRCh38, 1-based): chr1:12,007,155, A>G. VCF-style: chr1-12007155-A-G. GRCh37 (hg19) VCF-style: chr1-12067212-A-G.
Other names: c.1975A>G, p.Arg659Gly (NM_001127660.2); short protein forms R659G.
Identifiers: ClinVar variation 2051766 (VCV002051766.24), dbSNP rs529286489, ClinGen allele CA599289.

ClinVar aggregate classification (germline): Uncertain significance. Review status: criteria provided, multiple submitters, no conflicts (2 of 4 stars). 2 submissions from 2 submitters: Uncertain significance (2). Last evaluated 2024-01-01.

Conditions:
Charcot-Marie-Tooth disease type 2. Also called: Charcot-Marie-Tooth type 2. Identifiers: Orphanet 64746, MedGen C0270914, MONDO:0018993.

Allele frequency attached by ClinVar (database versions not stated): ExAC 0.00001; gnomAD 0.00001; gnomAD exomes 0.00001; 1000 Genomes Project 30x 0.00016; 1000 Genomes Project 0.00020.

Submissions (2):

CeGaT Center for Human Genetics Tuebingen
Classification: Uncertain significance. Last evaluated: 2024-01-01. Review status: criteria provided, single submitter. Criteria: CeGaT Center For Human Genetics Tuebingen Variant Classification Criteria Version 2. Collection method: clinical testing. Allele origin: germline. Affected: yes. Observed: 1 variant allele.

Labcorp Genetics (formerly Invitae), Labcorp
Classification: Uncertain significance for Charcot-Marie-Tooth disease type 2. Last evaluated: 2022-06-10. Review status: criteria provided, single submitter. Criteria: Invitae Variant Classification Sherloc (09022015). Collection method: clinical testing. Allele origin: germline.
Comment: In summary, the available evidence is currently insufficient to determine the role of this variant in disease. Therefore, it has been classified as a Variant of Uncertain Significance. Advanced modeling of protein sequence and biophysical properties (such as structural, functional, and spatial information, amino acid conservation, physicochemical variation, residue mobility, and thermodynamic stability) performed at Invitae indicates that this missense variant is expected to disrupt MFN2 protein function. This variant has not been reported in the literature in individuals affected with MFN2-related conditions. This variant is present in population databases (rs529286489, gnomAD 0.003%). This sequence change replaces arginine, which is basic and polar, with glycine, which is neutral and non-polar, at codon 659 of the MFN2 protein (p.Arg659Gly).